The following is an entry in ClinVar:

NM_020631.6(PLEKHG5):c.601CGC[4] (p.Arg203_Lys204insArg)

Gene: PLEKHG5 (pleckstrin homology and RhoGEF domain containing G5; minus strand). Cytogenetic location: 1p36.31.
Variant type: Microsatellite.
Coding change: c.601CGC[4] on transcript NM_020631.6 (MANE Select); four copies in a row of the 3-base unit CGC starting at c.601; the reference has three copies in a row; one copy, 3 bases duplicated.
Protein change: p.Arg203_Lys204insArg.
Molecular consequence: inframe insertion. On other transcripts: inframe indel (4).
Genome position (GRCh38, 1-based): chr1:6,473,437-6,473,439, GCG duplicated on the plus strand (CGC on the coding strand, the reverse complement: PLEKHG5 is on the minus strand); duplicating any 3 consecutive bases within chr1:6,473,437-6,473,447 gives the same sequence; the position shown is the placement nearest the transcript's 3' end. VCF-style (leftmost placement, unchanged base first): chr1-6473436-T-TGCG. GRCh37 (hg19) VCF-style: chr1-6533496-T-TGCG.
Other names: c.712CGC[4], p.Arg240_Lys241insArg (NM_001042663.3, NM_001265592.2); c.599_601GCC[4], p.Arg203_Lys204insArg (NM_001042664.2, NM_001042665.2, NM_001265594.3); c.806_808GCC[4], p.Arg272_Lys273insArg (NM_001265593.2); c.601CGC[4], p.Arg203_Lys204insArg (NM_198681.4).
Identifiers: ClinVar variation 1934153 (VCV001934153.2), dbSNP rs1273891514, ClinGen allele CA521018945.

ClinVar aggregate classification (germline): Uncertain significance (1 of 4 stars; one submission).

Conditions:
Neuronopathy, distal hereditary motor, autosomal recessive 4. Also called: NEUROPATHY, DISTAL HEREDITARY MOTOR, AUTOSOMAL RECESSIVE 4; Autosomal recessive lower motor neuron disease with childhood onset. Identifiers: Orphanet 206580, MedGen C1970211, MONDO:0012608, OMIM 611067.
Charcot-Marie-Tooth disease recessive intermediate C. Also called: CHARCOT-MARIE-TOOTH NEUROPATHY, RECESSIVE INTERMEDIATE C. Identifiers: Orphanet 369867, MedGen C3809309, MONDO:0014154, OMIM 615376.

Submission:

Labcorp Genetics (formerly Invitae), Labcorp
Classification: Uncertain significance for Neuronopathy, distal hereditary motor, autosomal recessive 4; Charcot-Marie-Tooth disease recessive intermediate C. Last evaluated: 2022-06-15. Review status: criteria provided, single submitter. Criteria: Invitae Variant Classification Sherloc (09022015). Collection method: clinical testing. Allele origin: germline.
Comment: This variant, c.607_609dup, results in the insertion of 1 amino acid(s) of the PLEKHG5 protein (p.Arg203dup), but otherwise preserves the integrity of the reading frame. This variant is present in population databases (no rsID available, gnomAD 0.005%). This variant has not been reported in the literature in individuals affected with PLEKHG5-related conditions. In summary, the available evidence is currently insufficient to determine the role of this variant in disease. Therefore, it has been classified as a Variant of Uncertain Significance.